The following is an entry in ClinVar:

NM_000492.4(CFTR):c.1685T>C (p.Val562Ala)

Gene: CFTR (CF transmembrane conductance regulator; plus strand). Cytogenetic location: 7q31.2.
Variant type: single nucleotide variant.
Coding change: c.1685T>C on transcript NM_000492.4 (MANE Select); coding-DNA position 1685, T replaced by C.
Protein change: p.Val562Ala; replaces valine 562 with alanine.
Molecular consequence: missense variant.
Genome position (GRCh38, 1-based): chr7:117,590,358, T>C. VCF-style: chr7-117590358-T-C. GRCh37 (hg19) VCF-style: chr7-117230412-T-C.
Other names: c.1685T>C (NM_000492.3); short protein forms V562A.
Identifiers: ClinVar variation 1060053 (VCV001060053.12), dbSNP rs1792006361, ClinGen allele CA368977014.

ClinVar aggregate classification (germline): Uncertain significance. Review status: criteria provided, multiple submitters, no conflicts (2 of 4 stars). 4 submissions from 4 submitters: Uncertain significance (3). 1 of the submissions does not count toward it. Last evaluated 2024-12-12.

Conditions:
CFTR-related disorder (CFTR-RD). Also called: CFTR-related condition; CFTR-related disorders. Identifiers: MedGen C5924204, MONDO:7770004.
Cystic fibrosis (CF). Also called: MUCOVISCIDOSIS. Identifiers: Orphanet 586, MedGen C0010674, MONDO:0009061, OMIM 219700. Disease mechanism: loss of function.

Allele frequency attached by ClinVar (database versions not stated): TOPMed below 0.00001.

Submissions (4):

Quest Diagnostics Nichols Institute San Juan Capistrano
Classification: Uncertain significance. Last evaluated: 2024-12-12. Review status: criteria provided, single submitter. Criteria: Quest Diagnostics criteria. Collection method: clinical testing. Allele origin: unknown.
Comment: The CFTR c.1685T>C (p.Val562Ala) variant has not been reported in individuals with CFTR-related conditions in the published literature. It also has not been reported in large, multi-ethnic general populations (Genome Aggregation Database). Analysis of this variant using bioinformatics tools for the prediction of the effect of amino acid changes on protein structure and function yielded predictions that this variant is damaging. Based on the available information, we are unable to determine the clinical significance of this variant.

Ambry Genetics
Classification: Uncertain significance for Cystic fibrosis. Last evaluated: 2023-06-22. Review status: criteria provided, single submitter. Criteria: Ambry Variant Classification Scheme 2023. Collection method: clinical testing. Allele origin: germline.
Comment: The p.V562A variant (also known as c.1685T>C), located in coding exon 13 of the CFTR gene, results from a T to C substitution at nucleotide position 1685. The valine at codon 562 is replaced by alanine, an amino acid with similar properties. This amino acid position is highly conserved in available vertebrate species. In addition, this alteration is predicted to be deleterious by in silico analysis. Since supporting evidence is limited at this time, the clinical significance of this alteration remains unclear.

Labcorp Genetics (formerly Invitae), Labcorp
Classification: Uncertain significance for Cystic fibrosis. Last evaluated: 2022-06-27. Review status: criteria provided, single submitter. Criteria: Invitae Variant Classification Sherloc (09022015). Collection method: clinical testing. Allele origin: germline.
Comment: In summary, the available evidence is currently insufficient to determine the role of this variant in disease. Therefore, it has been classified as a Variant of Uncertain Significance. Algorithms developed to predict the effect of missense changes on protein structure and function (SIFT, PolyPhen-2, Align-GVGD) all suggest that this variant is likely to be disruptive. ClinVar contains an entry for this variant (Variation ID: 1060053). This variant is not present in population databases (gnomAD no frequency). This missense change has been observed in individual(s) with chronic or recurrent pancreatitis (PMID: 17003641). This sequence change replaces valine, which is neutral and non-polar, with alanine, which is neutral and non-polar, at codon 562 of the CFTR protein (p.Val562Ala).

Natera, Inc.
Classification: Uncertain significance for CFTR-related disorders. Last evaluated: 2019-02-05. Review status: no assertion criteria provided. Collection method: clinical testing. Allele origin: germline. Not counted in ClinVar's aggregate classification.

Literature cited by the submitters: PubMed 17003641 (cited by Labcorp Genetics (formerly Invitae), Labcorp).